The following is an entry in ClinVar:

ClinVar aggregate classification (germline): Uncertain significance (1 of 4 stars; one submission).

Allele frequency attached by ClinVar (database versions not stated): gnomAD exomes below 0.00001; gnomAD 0.00001; TOPMed 0.00001.
gnomAD v4.1: 3 of 1,613,900 alleles (0.00019%); highest among the groups gnomAD compares: East Asian, 0.0022%; no homozygotes.

Submission:

GeneDx
Classification: Uncertain significance. Last evaluated: 2023-09-25. Review status: criteria provided, single submitter. Criteria: GeneDx Variant Classification Process June 2021. Collection method: clinical testing. Allele origin: germline. Affected: yes.
Comment: This substitution is predicted to be within the N-terminal cytoplasmic domain.; Missense variants in this gene are often considered pathogenic (HGMD); Not observed at significant frequency in large population cohorts (gnomAD); In silico analysis supports that this missense variant has a deleterious effect on protein structure/function; Has not been previously published as pathogenic or benign to our knowledge

NM_001165963.4(SCN1A):c.23C>T (p.Pro8Leu)

Gene: SCN1A (sodium voltage-gated channel alpha subunit 1; minus strand). Cytogenetic location: 2q24.3.
Variant type: single nucleotide variant.
Coding change: c.23C>T on transcript NM_001165963.4 (MANE Select); coding-DNA position 23, C replaced by T.
Protein change: p.Pro8Leu; replaces proline 8 with leucine.
Molecular consequence: missense variant. On other transcripts: 5 prime UTR variant (1), non-coding transcript variant (1).
Genome position (GRCh38, 1-based): chr2:166,073,599, G>A on the plus strand (C>T on the coding strand, the complement: SCN1A is on the minus strand). VCF-style: chr2-166073599-G-A. GRCh37 (hg19) VCF-style: chr2-166930109-G-A.
Other names: c.23C>T, p.Pro8Leu (NM_001165964.3, NM_001202435.3, NM_001353948.2 and 10 more transcripts); c.-2403C>T (NM_001353961.2); short protein forms P8L.
Identifiers: ClinVar variation 2505609 (VCV002505609.3), dbSNP rs1365133608, ClinGen allele CA349243472.